The following is an entry in ClinVar:

ClinVar aggregate classification (germline): Uncertain significance (1 of 4 stars; one submission).

Conditions:
Leigh syndrome (NULS). Also called: Leigh's necrotizing encephalopathy; Leigh's disease; Leigh Syndrome (mtDNA deletion); Leigh Disease; Subacute necrotizing encephalopathy; Necrotizing encephalopathy infantile subacute of Leigh. Identifiers: Orphanet 506, MedGen C2931891, MONDO:0009723, OMIM 256000.

Submission:

Wong Mito Lab, Molecular and Human Genetics, Baylor College of Medicine
Classification: Uncertain significance for Leigh syndrome. Last evaluated: 2019-10-17. Review status: criteria provided, single submitter. Criteria: Modified ACMG Guidelines (Unpublished). Collection method: clinical testing. Allele origin: germline.
Comment: The NC_012920.1:m.13388A>G (YP_003024036.1:p.Asn351Ser) variant in MTND5 gene is interpretated to be a Uncertain Significance variant based on the modified ACMG guidelines (unpublished). This variant meets the following evidence codes: BP4

NC_012920.1(MT-ND5):m.13388A>G

Gene: MT-ND5 (mitochondrially encoded NADH dehydrogenase 5; plus strand).
Variant type: single nucleotide variant.
Genome position: chrM-13388-A-G.
Identifiers: ClinVar variation 693550 (VCV000693550.1), dbSNP rs1603224172, ClinGen allele CA414817768.